The following is an entry in ClinVar:

ClinVar aggregate classification (germline): Conflicting classifications of pathogenicity. Review status: criteria provided, conflicting classifications (1 of 4 stars). 3 submissions from 3 submitters: Uncertain significance (1); Likely benign (1). 1 of the submissions does not count toward it. Last evaluated 2025-05-01.

Conditions:
GNAS-related disorder. Identifiers: MedGen CN380105.

Allele frequency attached by ClinVar (database versions not stated): gnomAD 0.00007; ExAC 0.00018; 1000 Genomes Project 0.00040; gnomAD exomes 0.00011; 1000 Genomes Project 30x 0.00031.
gnomAD v4.1: 166 of 1,613,394 alleles (0.01%); highest among the groups gnomAD compares: South Asian, 0.18%; 3 homozygotes.

Submissions (3):

CeGaT Center for Human Genetics Tuebingen
Classification: Likely benign. Last evaluated: 2025-05-01. Review status: criteria provided, single submitter. Criteria: CeGaT Center For Human Genetics Tuebingen Variant Classification Criteria Version 2. Collection method: clinical testing. Allele origin: germline. Affected: yes. Observed: 1 variant allele.
Comment: GNAS: BP4, BS1

GeneDx
Classification: Uncertain significance. Last evaluated: 2025-03-17. Review status: criteria provided, single submitter. Criteria: GeneDx Variant Classification Process June 2021. Collection method: clinical testing. Allele origin: germline. Affected: yes.
Comment: In silico analysis supports that this missense variant has a deleterious effect on protein structure/function; Has not been previously published in association with a GNAS-related disorder to our knowledge; Reported using an alternate transcript of the gene; This variant is associated with the following publications: (PMID: 36424660)

PreventionGenetics, part of Exact Sciences
Classification: Likely benign for GNAS-related condition. Last evaluated: 2023-12-21. Review status: no assertion criteria provided. Collection method: clinical testing. Allele origin: germline. Not counted in ClinVar's aggregate classification.
Comment: This variant is classified as likely benign based on ACMG/AMP sequence variant interpretation guidelines (Richards et al. 2015 PMID: 25741868, with internal and published modifications).

NM_016592.5(GNAS):c.266A>G (p.Glu89Gly)

Genes: GNAS (GNAS complex locus; plus strand), GNAS-AS1 (GNAS antisense RNA 1; minus strand). Cytogenetic location: 20q13.32.
Variant type: single nucleotide variant.
Coding change: c.266A>G on transcript NM_016592.5 (MANE Plus Clinical); coding-DNA position 266, A replaced by G.
Protein change: p.Glu89Gly; replaces glutamic acid 89 with glycine.
Molecular consequence: missense variant. On other transcripts: 5 prime UTR variant (1).
Genome position (GRCh38, 1-based): chr20:58,840,372, A>G. VCF-style: chr20-58840372-A-G. GRCh37 (hg19) VCF-style: chr20-57415427-A-G.
Other names: c.-472A>G (NM_001410912.1); short protein forms E89G.
Identifiers: ClinVar variation 3039289 (VCV003039289.12), dbSNP rs563844600, ClinGen allele CA9926287.